The following is an entry in ClinVar:

NM_004522.3(KIF5C):c.1850G>A (p.Arg617Lys)

Gene: KIF5C (kinesin family member 5C; plus strand). Cytogenetic location: 2q23.1.
Variant type: single nucleotide variant.
Coding change: c.1850G>A on transcript NM_004522.3 (MANE Select); coding-DNA position 1850, G replaced by A.
Protein change: p.Arg617Lys; replaces arginine 617 with lysine.
Molecular consequence: missense variant. On other transcripts: non-coding transcript variant (1).
Genome position (GRCh38, 1-based): chr2:148,991,143, G>A. VCF-style: chr2-148991143-G-A. GRCh37 (hg19) VCF-style: chr2-149847657-G-A.
Other names: short protein forms R617K.
Identifiers: ClinVar variation 3373640 (VCV003373640.1).

ClinVar aggregate classification (germline): Uncertain significance (1 of 4 stars; one submission).

Submission:

GeneDx
Classification: Uncertain significance. Last evaluated: 2024-03-05. Review status: criteria provided, single submitter. Criteria: GeneDx Variant Classification Process June 2021. Collection method: clinical testing. Allele origin: germline. Affected: yes.
Comment: Not observed at significant frequency in large population cohorts (gnomAD); In silico analysis supports that this missense variant does not alter protein structure/function; Has not been previously published as pathogenic or benign to our knowledge